The following is an entry in ClinVar:

NM_000053.4(ATP7B):c.2129_2133dup (p.Trp712fs)

Gene: ATP7B (ATPase copper transporting beta; minus strand). Cytogenetic location: 13q14.3.
Variant type: Duplication.
Coding change: c.2129_2133dup on transcript NM_000053.4 (MANE Select); coding-DNA positions 2129 to 2133, 5 bases duplicated (GTGGG; older notation c.2129_2133dupGTGGG).
Protein change: p.Trp712fs; shifts the reading frame from tryptophan 712.
Molecular consequence: frameshift variant. On other transcripts: intron variant (20).
Genome position (GRCh38, 1-based): chr13:51,958,533-51,958,537, CCCAC duplicated on the plus strand (GTGGG on the coding strand, the reverse complement: ATP7B is on the minus strand); duplicating any 5 consecutive bases within chr13:51,958,533-51,958,538 gives the same sequence; the c. name uses the placement nearest the transcript's 3' end. VCF-style (leftmost placement, unchanged base first): chr13-51958532-A-ACCCAC. GRCh37 (hg19) VCF-style: chr13-52532668-A-ACCCAC.
Other names: c.1796_1800dup, p.Trp601fs (NM_001243182.2); c.1877_1881dup, p.Trp628fs (NM_001330579.2, NM_001406531.1, NM_001406532.1 and 1 more transcripts); c.2129_2133dup, p.Trp712fs (NM_001406511.1, NM_001406512.1, NM_001406513.1 and 7 more transcripts); c.2096_2100dup, p.Trp701fs (NM_001406514.1); c.2033_2037dup, p.Trp680fs (NM_001406517.1, NM_001406518.1); c.1700_1704dup, p.Trp569fs (NM_001406539.1); c.1781_1785dup, p.Trp596fs (NM_001406543.1); c.1870-930_1870-926dup (NM_001406541.1, NM_001005918.3, NM_001406546.1 and 1 more transcripts); and 8 more; short protein forms W569fs, W596fs, W601fs, W628fs, W680fs, W701fs, W712fs.
Identifiers: ClinVar variation 4884470 (VCV004884470.1).
Genomic context (GRCh38, chr13:51,958,532, plus strand): 5'-GCACGTCCATGTTGGCTGACCTGTGTCTCAGAGATTTGTAGGCCTGAACGTAGAAGTACC[A>ACCCAC]CCCACCGAGGAGCTGAAAGACAAGGACAGTGAAGGCTGCCAGCAAGTAGGGAGGAGAGTT-3'

ClinVar aggregate classification (germline): Likely pathogenic (1 of 4 stars; one submission).

Conditions:
Neurodevelopmental disorder with or without early-onset generalized epilepsy. Identifiers: MedGen C5436914, MONDO:0030930, OMIM 619157.

Submission:

Diagnostics Services (NGS), CSIR - Centre For Cellular And Molecular Biology
Classification: Likely pathogenic for Neurodevelopmental disorder with or without early-onset generalized epilepsy. Last evaluated: 2026-06-24. Review status: criteria provided, single submitter. Criteria: ACMG Guidelines, 2015. Collection method: clinical testing. Allele origin: germline. Affected: yes. Observed: 1 variant allele, 1 homozygote.
Comment: The c.2129_2133dup variant is not present in publicly available population databases like 1000 Genome, EVS, gnomAD, Indian Exome Database or in our internal database. This variant has neither been published in the literature for ATP7B-related conditions nor reported to clinical databases like Human Genome Mutation Database (HGMD), ClinVar or OMIM in any affected individuals. In-silico pathogenicity prediction programs like MutationTaster2021, CADD, Franklin, Varsome etc predicted this variant to be likely deleterious. This variant causes frameshift at the 712nd amino acid position of the wild-type transcript which creates a premature translational stop signal at the altered transcript that may either result in translation of a truncated protein or cause nonsense mediated decay of the mRNA.